The following is an entry in ClinVar:

ClinVar aggregate classification (germline): Uncertain significance (1 of 4 stars; one submission).

Conditions:
Hereditary cancer-predisposing syndrome. Also called: Hereditary Cancer Syndrome; Hereditary neoplastic syndrome; Neoplastic Syndromes, Hereditary; Tumor predisposition. Identifiers: Orphanet 140162, MedGen C0027672, MeSH D009386, MONDO:0015356.

Submission:

Ambry Genetics
Classification: Uncertain significance for Hereditary cancer-predisposing syndrome. Last evaluated: 2025-08-20. Review status: criteria provided, single submitter. Criteria: Ambry Variant Classification Scheme 2023. Collection method: clinical testing. Allele origin: germline.
Comment: The p.E1426G variant (also known as c.4277A>G), located in coding exon 30 of the SMARCA4 gene, results from an A to G substitution at nucleotide position 4277. The glutamic acid at codon 1426 is replaced by glycine, an amino acid with similar properties. This amino acid position is well conserved in available vertebrate species. In addition, the in silico prediction for this alteration is inconclusive. Based on the available evidence, the clinical significance of this variant remains unclear.

NM_003072.5(SMARCA4):c.4181A>G (p.Glu1394Gly)

Gene: SMARCA4 (SWI/SNF related BAF chromatin remodeling complex subunit ATPase 4; plus strand). Cytogenetic location: 19p13.2.
Variant type: single nucleotide variant.
Coding change: c.4181A>G on transcript NM_003072.5 (MANE Select); coding-DNA position 4181, A replaced by G.
Protein change: p.Glu1394Gly; replaces glutamic acid 1394 with glycine.
Molecular consequence: missense variant. On other transcripts: non-coding transcript variant (1).
Genome position (GRCh38, 1-based): chr19:11,041,317, A>G. VCF-style: chr19-11041317-A-G. GRCh37 (hg19) VCF-style: chr19-11151993-A-G.
Other names: c.4181A>G, p.Glu1394Gly (NM_001128844.3); c.4091A>G, p.Glu1364Gly (NM_001128845.2, NM_001128846.2); c.4082A>G, p.Glu1361Gly (NM_001128847.4, NM_001128848.2, NM_001374457.1); c.4277A>G, p.Glu1426Gly (NM_001128849.3, NM_001387283.1); c.4178A>G, p.Glu1393Gly (NM_001411150.1); short protein forms E1361G, E1393G, E1394G, E1364G, E1426G.
Identifiers: ClinVar variation 1739296 (VCV001739296.3), dbSNP rs2146813080, ClinGen allele CA404072730.